The following is an entry in ClinVar:

NM_000051.4(ATM):c.3631del (p.Ala1211fs)

Gene: ATM (ATM serine/threonine kinase; plus strand). Cytogenetic location: 11q22.3.
Variant type: Deletion.
Coding change: c.3631del on transcript NM_000051.4 (MANE Select); coding-DNA position 3631, one base deleted (G; older notation c.3631delG).
Protein change: p.Ala1211fs; shifts the reading frame from alanine 1211.
Molecular consequence: frameshift variant.
Genome position (GRCh38, 1-based): chr11:108,282,764, G deleted; the last of 2 consecutive G bases (chr11:108,282,763-108,282,764); deleting either gives the same sequence. VCF-style (leftmost placement, unchanged base first): chr11-108282762-TG-T. GRCh37 (hg19) VCF-style: chr11-108153489-TG-T.
Other names: c.3631delG (NM_000051.3); c.3631del, p.Ala1211fs (NM_001351834.2); short protein forms A1211fs.
Identifiers: ClinVar variation 422599 (VCV000422599.7), dbSNP rs1064795885, ClinGen allele CA16619162.

ClinVar aggregate classification (germline): Pathogenic/Likely pathogenic. Review status: criteria provided, multiple submitters, no conflicts (2 of 4 stars). 5 submissions from 5 submitters: Pathogenic (3); Likely pathogenic (2). Last evaluated 2025-06-26.

Conditions:
Ataxia-telangiectasia syndrome (AT). Also called: Ataxia-telangiectasia, complementation group D; Cerebello-oculocutaneous telangiectasia; Immunodeficiency with ataxia telangiectasia; ATAXIA-TELANGIECTASIA, COMPLEMENTATION GROUP A; ATAXIA-TELANGIECTASIA, FRESNO VARIANT; LOUIS-BAR SYNDROME. Identifiers: Orphanet 100, MedGen C0004135, MONDO:0008840, OMIM 208900.
Hereditary cancer-predisposing syndrome. Also called: Hereditary neoplastic syndrome; Hereditary Cancer Syndrome; Neoplastic Syndromes, Hereditary; Tumor predisposition. Identifiers: Orphanet 140162, MedGen C0027672, MeSH D009386, MONDO:0015356.
Familial cancer of breast. Also called: hereditary breast carcinoma; Hereditary breast cancer; BREAST CANCER, FAMILIAL. Identifiers: Orphanet 227535, MedGen C0346153, MONDO:0016419, OMIM 114480. Disease mechanism: loss of function.
Malignant tumor of breast. Also called: Cancer breast; Malignant breast neoplasm. Identifiers: MedGen C0006142, MONDO:0007254. Disease mechanism: loss of function.

Submissions (5):

Ambry Genetics
Classification: Pathogenic for Hereditary cancer-predisposing syndrome. Last evaluated: 2025-06-26. Review status: criteria provided, single submitter. Criteria: Ambry Variant Classification Scheme 2023. Collection method: clinical testing. Allele origin: germline.
Comment: The c.3631delG pathogenic mutation, located in coding exon 24 of the ATM gene, results from a deletion of one nucleotide at nucleotide position 3631, causing a translational frameshift with a predicted alternate stop codon (p.A1211Hfs*4). This variant is considered to be rare based on population cohorts in the Genome Aggregation Database (gnomAD). This alteration is expected to result in loss of function by premature protein truncation or nonsense-mediated mRNA decay. As such, this alteration is interpreted as a disease-causing mutation.

Labcorp Genetics (formerly Invitae), Labcorp
Classification: Pathogenic for Ataxia-telangiectasia syndrome. Last evaluated: 2025-05-29. Review status: criteria provided, single submitter. Criteria: Invitae Variant Classification Sherloc (09022015). Collection method: clinical testing. Allele origin: germline.
Comment: This sequence change creates a premature translational stop signal (p.Ala1211Hisfs*4) in the ATM gene. It is expected to result in an absent or disrupted protein product. Loss-of-function variants in ATM are known to be pathogenic (PMID: 23807571, 25614872). This variant is not present in population databases (gnomAD no frequency). This variant has not been reported in the literature in individuals affected with ATM-related conditions. ClinVar contains an entry for this variant (Variation ID: 422599). Algorithms developed to predict the effect of sequence changes on RNA splicing suggest that this variant may disrupt the consensus splice site. For these reasons, this variant has been classified as Pathogenic.

Myriad Genetics, Inc.
Classification: Pathogenic for Familial cancer of breast. Last evaluated: 2024-01-22. Review status: criteria provided, single submitter. Criteria: Myriad Autosomal Dominant, Autosomal Recessive and X-Linked Classification Criteria (2023). Collection method: clinical testing. Allele origin: unknown.
Comment: This variant is considered pathogenic. This variant creates a frameshift predicted to result in premature protein truncation.

Women's Health and Genetics/Laboratory Corporation of America, LabCorp
Classification: Likely pathogenic for breast cancer. Last evaluated: 2020-07-10. Review status: criteria provided, single submitter. Criteria: LabCorp Variant Classification Summary - May 2015. Collection method: clinical testing. Allele origin: germline.
Comment: Variant summary: ATM c.3631delG (p.Ala1211HisfsX4) results in a premature termination codon, predicted to cause a truncation of the encoded protein or absence of the protein due to nonsense mediated decay, which are commonly known mechanisms for disease. Truncations downstream of this position have been classified as pathogenic by our laboratory. The variant was absent in 251144 control chromosomes (gnomAD). To our knowledge, no occurrence of c.3631delG in individuals affected with Breast Cancer and no experimental evidence demonstrating its impact on protein function have been reported. One ClinVar submitter (evaluation after 2014) cites the variant as likely pathogenic. Based on the evidence outlined above, the variant was classified as likely pathogenic.

GeneDx
Classification: Likely pathogenic. Last evaluated: 2016-10-21. Review status: criteria provided, single submitter. Criteria: GeneDx Variant Classification (06012015). Collection method: clinical testing. Allele origin: germline. Affected: yes.
Comment: This deletion of one nucleotide in ATM is denoted c.3631delG at the cDNA level and p.Ala1211HisfsX4 (A1211HfsX4) at the protein level. The normal sequence, with the base that is deleted in braces, is TATG[G]CATC. The deletion causes a frameshift which changes an Alanine to a Histidine at codon 1211, and creates a premature stop codon at position 4 of the new reading frame. Although this variant has not, to our knowledge, been reported in the literature, it is predicted to cause loss of normal protein function through either protein truncation or nonsense-mediated mRNA decay. Based on the currently available information, we consider this deletion to be a likely pathogenic variant.

Literature cited by the submitters: PubMed 23807571 (cited by Labcorp Genetics (formerly Invitae), Labcorp); PubMed 25614872 (cited by Labcorp Genetics (formerly Invitae), Labcorp).